The following is an entry in ClinVar:

ClinVar aggregate classification (germline): Uncertain significance (1 of 4 stars; one submission).

Conditions:
Kleefstra syndrome 1 (KLEFS1). Identifiers: Orphanet 261494, MedGen C0795833, MONDO:0027407, OMIM 610253.

Submission:

Labcorp Genetics (formerly Invitae), Labcorp
Classification: Uncertain significance for Kleefstra syndrome 1. Last evaluated: 2022-03-19. Review status: criteria provided, single submitter. Criteria: Invitae Variant Classification Sherloc (09022015). Collection method: clinical testing. Allele origin: germline.
Comment: This variant, c.1195_1197del, results in the deletion of 1 amino acid(s) of the EHMT1 protein (p.Gln399del), but otherwise preserves the integrity of the reading frame. This variant is not present in population databases (gnomAD no frequency). This variant has not been reported in the literature in individuals affected with EHMT1-related conditions. Experimental studies and prediction algorithms are not available or were not evaluated, and the functional significance of this variant is currently unknown. In summary, the available evidence is currently insufficient to determine the role of this variant in disease. Therefore, it has been classified as a Variant of Uncertain Significance.

NM_024757.5(EHMT1):c.1195_1197del (p.Gln399del)

Gene: EHMT1 (euchromatic histone lysine methyltransferase 1; plus strand). Cytogenetic location: 9q34.3.
Variant type: Deletion.
Coding change: c.1195_1197del on transcript NM_024757.5 (MANE Select); coding-DNA positions 1195 to 1197, 3 bases deleted (CAG; older notation c.1195_1197delCAG).
Protein change: p.Gln399del; deletes glutamine 399.
Molecular consequence: inframe deletion.
Genome position (GRCh38, 1-based): chr9:137,752,355-137,752,357, CAG deleted; deleting any 3 consecutive bases within chr9:137,752,353-137,752,357 gives the same sequence; the c. name uses the placement nearest the transcript's 3' end. VCF-style (leftmost placement, unchanged base first): chr9-137752352-GAGC-G. GRCh37 (hg19) VCF-style: chr9-140646804-GAGC-G.
Other names: c.1195_1197del, p.Gln399del (NM_001145527.2, NM_001354611.2); c.1102_1104del, p.Gln368del (NM_001354259.2, NM_001354612.2); c.1174_1176del, p.Gln392del (NM_001354263.2); short protein forms Q368del, Q392del, Q399del.
Identifiers: ClinVar variation 1472748 (VCV001472748.8), dbSNP rs2136190348, ClinGen allele CA2573144336.